The following is an entry in ClinVar:

ClinVar aggregate classification (germline): Likely benign. Review status: criteria provided, multiple submitters, no conflicts (2 of 4 stars). 2 submissions from 2 submitters: Likely benign (2). Last evaluated 2026-01-28.

Conditions:
Koolen-de Vries syndrome (KDVS). Identifiers: Orphanet 96169, MedGen C1864871, MONDO:0012496, OMIM 610443.

Allele frequency attached by ClinVar (database versions not stated): gnomAD 0.00001 and 0.00003; TOPMed 0.00002; 1000 Genomes Project 0.00020; 1000 Genomes Project 30x 0.00031.
gnomAD v4.1: 127 of 1,614,026 alleles (0.0079%); highest among the groups gnomAD compares: South Asian, 0.12%; 1 homozygote.

Submissions (2):

Labcorp Genetics (formerly Invitae), Labcorp
Classification: Likely benign for Koolen-de Vries syndrome. Last evaluated: 2026-01-28. Review status: criteria provided, single submitter. Criteria: Invitae Variant Classification Sherloc (09022015). Collection method: clinical testing. Allele origin: germline.

GeneDx
Classification: Likely benign. Last evaluated: 2018-04-18. Review status: criteria provided, single submitter. Criteria: GeneDx Variant Classification (06012015). Collection method: clinical testing. Allele origin: germline. Affected: yes.
Comment: This variant is considered likely benign or benign based on one or more of the following criteria: it is a conservative change, it occurs at a poorly conserved position in the protein, it is predicted to be benign by multiple in silico algorithms, and/or has population frequency not consistent with disease.

NM_015443.4(KANSL1):c.1673A>T (p.Asp558Val)

Gene: KANSL1 (KAT8 regulatory NSL complex subunit 1). Cytogenetic location: 17q21.31.
Variant type: single nucleotide variant.
Coding change: c.1673A>T on transcript NM_015443.4 (MANE Select); coding-DNA position 1673, A replaced by T.
Protein change: p.Asp558Val; replaces aspartic acid 558 with valine.
Molecular consequence: missense variant.
Genome position (GRCh38, 1-based): chr17:46,066,712, T>A on the plus strand (A>T on the coding strand, the complement: KANSL1 is on the minus strand). VCF-style: chr17-46066712-T-A. GRCh37 (hg19) VCF-style: chr17-44144078-T-A.
Other names: c.1673A>T, p.Asp558Val (NM_001193465.2, NM_001193466.2, NM_001379198.1); short protein forms D558V.
Identifiers: ClinVar variation 468397 (VCV000468397.13), dbSNP rs551923672, ClinGen allele CA8618747.